The following is an entry in ClinVar:

ClinVar aggregate classification (germline): Uncertain significance (1 of 4 stars; one submission).

Allele frequency attached by ClinVar (database versions not stated): gnomAD exomes below 0.00001 and 0.00001; ExAC 0.00001; TOPMed 0.00001.
gnomAD v4.1: 13 of 1,613,014 alleles (0.00081%); highest among the groups gnomAD compares: Non-Finnish European, 0.0011%; no homozygotes.

Submission:

Labcorp Genetics (formerly Invitae), Labcorp
Classification: Uncertain significance. Last evaluated: 2025-12-05. Review status: criteria provided, single submitter. Criteria: Invitae Variant Classification Sherloc (09022015). Collection method: clinical testing. Allele origin: germline.
Comment: This sequence change replaces alanine, which is neutral and non-polar, with aspartic acid, which is acidic and polar, at codon 629 of the MICAL1 protein (p.Ala629Asp). The frequency data for this variant in the population databases is considered unreliable, as metrics indicate poor data quality at this position in the gnomAD database. This variant has not been reported in the literature in individuals affected with MICAL1-related conditions. ClinVar contains an entry for this variant (Variation ID: 1350741). An algorithm developed to predict the effect of missense changes on protein structure and function (PolyPhen-2) suggests that this variant is likely to be disruptive. In summary, the available evidence is currently insufficient to determine the role of this variant in disease. Therefore, it has been classified as a Variant of Uncertain Significance.

NM_022765.4(MICAL1):c.1829C>A (p.Ala610Asp)

Gene: MICAL1 (microtubule associated monooxygenase, calponin and LIM domain containing 1; minus strand). Cytogenetic location: 6q21.
Variant type: single nucleotide variant.
Coding change: c.1829C>A on transcript NM_022765.4 (MANE Select); coding-DNA position 1829, C replaced by A.
Protein change: p.Ala610Asp; replaces alanine 610 with aspartic acid.
Molecular consequence: missense variant.
Genome position (GRCh38, 1-based): chr6:109,448,229, G>T on the plus strand (C>A on the coding strand, the complement: MICAL1 is on the minus strand). VCF-style: chr6-109448229-G-T. GRCh37 (hg19) VCF-style: chr6-109769432-G-T.
Other names: c.1571C>A, p.Ala524Asp (NM_001159291.2); c.1886C>A, p.Ala629Asp (NM_001286613.2); short protein forms A610D, A629D, A524D.
Identifiers: ClinVar variation 1350741 (VCV001350741.8), dbSNP rs763543444, ClinGen allele CA3953210.
Genomic context (GRCh38, chr6:109,448,229, plus strand): 5'-CCCAGTTATCCTGCCCGCCTTTCCTTCAGGTCACCTGGGCTGTGGGCCATGCTCTTGAAG[G>T]CACTGTGGAAGTGGCTGAGGTAGGCAATGAGGCCCAGTGGGTCACTCCCTGCTACCACGG-3'
Protein context (NP_073602.3, residues 600-620): LIAYLSHFHS[Ala610Asp]FKSMAHSPGP